The following is an entry in ClinVar:

ClinVar aggregate classification (germline): Likely benign. Review status: criteria provided, single submitter (1 of 4 stars). 2 submissions from 2 submitters: Likely benign (1). 1 of the submissions does not count toward it. Last evaluated 2025-04-10.

Conditions:
Glycogen storage disease, type VII (GSD7). Also called: MUSCLE PHOSPHOFRUCTOKINASE DEFICIENCY; PFKM DEFICIENCY; TARUI DISEASE; GSD VII. Identifiers: Orphanet 371, MedGen C0017926, MONDO:0009295, OMIM 232800.
PFKM-related disorder. Also called: PFKM-related condition.

Allele frequency attached by ClinVar (database versions not stated): gnomAD exomes below 0.00001.
gnomAD v4.1: 2 of 1,614,128 alleles (0.00012%); highest among the groups gnomAD compares: East Asian, 0.0022%; no homozygotes.

Submissions (2):

Labcorp Genetics (formerly Invitae), Labcorp
Classification: Likely benign for Glycogen storage disease, type VII. Last evaluated: 2025-04-10. Review status: criteria provided, single submitter. Criteria: Invitae Variant Classification Sherloc (09022015). Collection method: clinical testing. Allele origin: germline.

PreventionGenetics, part of Exact Sciences
Classification: Likely benign for PFKM-related condition. Last evaluated: 2020-08-03. Review status: no assertion criteria provided. Collection method: clinical testing. Allele origin: germline. Not counted in ClinVar's aggregate classification.
Comment: This variant is classified as likely benign based on ACMG/AMP sequence variant interpretation guidelines (Richards et al. 2015 PMID: 25741868, with internal and published modifications).

NM_000289.6(PFKM):c.1032G>A (p.Val344=)

Gene: PFKM (phosphofructokinase, muscle; plus strand). Cytogenetic location: 12q13.11.
Variant type: single nucleotide variant.
Coding change: c.1032G>A on transcript NM_000289.6 (MANE Select); coding-DNA position 1032, G replaced by A.
Protein change: p.Val344=; no amino-acid change (valine 344 retained).
Molecular consequence: synonymous variant. On other transcripts: non-coding transcript variant (6), intron variant (1).
Genome position (GRCh38, 1-based): chr12:48,137,816, G>A. VCF-style: chr12-48137816-G-A. GRCh37 (hg19) VCF-style: chr12-48531599-G-A.
Other names: c.1245G>A, p.Val415= (NM_001166686.2, NM_001354737.1, NM_001354738.1 and 1 more transcripts); c.1032G>A, p.Val344= (NM_001166687.2, NM_001166688.2, NM_001354742.2 and 2 more transcripts); c.1341G>A, p.Val447= (NM_001354735.1, NM_001354736.1); c.1176G>A, p.Val392= (NM_001354740.1); c.1056G>A, p.Val352= (NM_001354741.2); c.945G>A, p.Val315= (NM_001354745.2); c.882G>A, p.Val294= (NM_001354747.2, NM_001354748.2); c.939G>A, p.Val313= (NM_001363619.2); and 2 more.
Identifiers: ClinVar variation 1159259 (VCV001159259.11), dbSNP rs1329869497, ClinGen allele CA479454163.